The following is an entry in ClinVar:

ClinVar aggregate classification (germline): Uncertain significance (1 of 4 stars; one submission).

gnomAD v4.1: 5 of 1,208,535 alleles (0.00041%); highest among the groups gnomAD compares: Non-Finnish European, 0.00056%; no homozygotes.

Submission:

GeneDx
Classification: Uncertain significance. Last evaluated: 2024-12-05. Review status: criteria provided, single submitter. Criteria: GeneDx Variant Classification Process June 2021. Collection method: clinical testing. Allele origin: germline. Affected: yes.
Comment: Not observed at significant frequency in large population cohorts (gnomAD); In silico analysis supports that this missense variant has a deleterious effect on protein structure/function; Has not been previously published as pathogenic or benign to our knowledge

NM_194277.3(FRMD7):c.581C>T (p.Ala194Val)

Gene: FRMD7 (FERM domain containing 7; minus strand). Cytogenetic location: Xq26.2.
Variant type: single nucleotide variant.
Coding change: c.581C>T on transcript NM_194277.3 (MANE Select); coding-DNA position 581, C replaced by T.
Protein change: p.Ala194Val; replaces alanine 194 with valine.
Molecular consequence: missense variant.
Genome position (GRCh38, 1-based): chrX:132,085,645, G>A on the plus strand (C>T on the coding strand, the complement: FRMD7 is on the minus strand). VCF-style: chrX-132085645-G-A. GRCh37 (hg19) VCF-style: chrX-131219673-G-A.
Other names: c.536C>T, p.Ala179Val (NM_001306193.2); short protein forms A179V, A194V.
Identifiers: ClinVar variation 3903343 (VCV003903343.1).
Genomic context (GRCh38, chrX:132,085,645, plus strand): 5'-AACACCAGTACTCCCATGTGAGCAACAGCCAGGTGAATCTGCATCCCTTCACCATCACTG[G>A]CGGGGTGAGGCCTGATGCCATACATATCCAGCTTCCTTGCTATGTCCAGTAGCAGAATGT-3'
Protein context (NP_919253.1, residues 184-204): LDMYGIRPHP[Ala194Val]SDGEGMQIHL